The following is an entry in ClinVar:

ClinVar aggregate classification (germline): Uncertain significance. Review status: criteria provided, multiple submitters, no conflicts (2 of 4 stars). 2 submissions from 2 submitters: Uncertain significance (2). Last evaluated 2025-07-07.

Conditions:
Colorectal cancer, hereditary nonpolyposis, type 7. Identifiers: Orphanet 144, MedGen C1858380, MONDO:0013725, OMIM 614385.

Submissions (2):

Labcorp Genetics (formerly Invitae), Labcorp
Classification: Uncertain significance for Colorectal cancer, hereditary nonpolyposis, type 7. Last evaluated: 2025-07-07. Review status: criteria provided, single submitter. Criteria: Invitae Variant Classification Sherloc (09022015). Collection method: clinical testing. Allele origin: germline.
Comment: This sequence change replaces threonine, which is neutral and polar, with alanine, which is neutral and non-polar, at codon 138 of the MLH3 protein (p.Thr138Ala). This variant is not present in population databases (gnomAD no frequency). This variant has not been reported in the literature in individuals affected with MLH3-related conditions. ClinVar contains an entry for this variant (Variation ID: 1978222). An algorithm developed to predict the effect of missense changes on protein structure and function (PolyPhen-2) suggests that this variant is likely to be tolerated. In summary, the available evidence is currently insufficient to determine the role of this variant in disease. Therefore, it has been classified as a Variant of Uncertain Significance.

Ambry Genetics
Classification: Uncertain significance. Last evaluated: 2023-05-26. Review status: criteria provided, single submitter. Criteria: Ambry Variant Classification Scheme 2023. Collection method: clinical testing. Allele origin: germline.
Comment: The p.T138A variant (also known as c.412A>G), located in coding exon 1 of the MLH3 gene, results from an A to G substitution at nucleotide position 412. The threonine at codon 138 is replaced by alanine, an amino acid with similar properties. This amino acid position is conserved. In addition, this alteration is predicted to be tolerated by in silico analysis. Since supporting evidence is limited at this time, the clinical significance of this alteration remains unclear.

NM_001040108.2(MLH3):c.412A>G (p.Thr138Ala)

Gene: MLH3 (mutL homolog 3; minus strand). Cytogenetic location: 14q24.3.
Variant type: single nucleotide variant.
Coding change: c.412A>G on transcript NM_001040108.2 (MANE Select); coding-DNA position 412, A replaced by G.
Protein change: p.Thr138Ala; replaces threonine 138 with alanine.
Molecular consequence: missense variant.
Genome position (GRCh38, 1-based): chr14:75,049,244, T>C on the plus strand (A>G on the coding strand, the complement: MLH3 is on the minus strand). VCF-style: chr14-75049244-T-C. GRCh37 (hg19) VCF-style: chr14-75515947-T-C.
Other names: c.412A>G, p.Thr138Ala (NM_014381.3); short protein forms T138A.
Identifiers: ClinVar variation 1978222 (VCV001978222.6), dbSNP rs1892495938, ClinGen allele CA390450465.